The following is an entry in ClinVar:

ClinVar aggregate classification (germline): Pathogenic/Likely pathogenic. Review status: criteria provided, multiple submitters, no conflicts (2 of 4 stars). 4 submissions from 4 submitters: Pathogenic (2); Likely pathogenic (2). Last evaluated 2024-04-16.

Conditions:
Inborn genetic diseases. Identifiers: MedGen C0950123, MeSH D030342.
EVC2-related disorders.
Ellis-van Creveld syndrome (EVC). Also called: Chondroectodermal dysplasia; MESOECTODERMAL DYSPLASIA. Identifiers: Orphanet 289, MedGen C0013903, MONDO:0009162, OMIM 225500.
Curry-Hall syndrome (WAD). Also called: WEYERS ACRODENTAL DYSOSTOSIS. Identifiers: Orphanet 952, MedGen C0457013, MONDO:0008673, OMIM 193530.

Submissions (4):

Fulgent Genetics
Classification: Likely pathogenic for Curry-Hall syndrome; Ellis-van Creveld syndrome. Last evaluated: 2024-04-16. Review status: criteria provided, single submitter. Criteria: ACMG Guidelines, 2015. Collection method: clinical testing. Allele origin: germline.

Labcorp Genetics (formerly Invitae), Labcorp
Classification: Pathogenic for Curry-Hall syndrome; Ellis-van Creveld syndrome. Last evaluated: 2023-07-27. Review status: criteria provided, single submitter. Criteria: Invitae Variant Classification Sherloc (09022015). Collection method: clinical testing. Allele origin: germline.
Comment: For these reasons, this variant has been classified as Pathogenic. Algorithms developed to predict the effect of sequence changes on RNA splicing suggest that this variant may disrupt the consensus splice site. ClinVar contains an entry for this variant (Variation ID: 962271). This variant has not been reported in the literature in individuals affected with EVC2-related conditions. This variant is present in population databases (no rsID available, gnomAD 0.003%). This sequence change creates a premature translational stop signal (p.Lys1027Argfs*23) in the EVC2 gene. It is expected to result in an absent or disrupted protein product. Loss-of-function variants in EVC2 are known to be pathogenic (PMID: 17024374, 19810119, 19876929).

Ambry Genetics
Classification: Pathogenic for Inborn genetic diseases. Last evaluated: 2021-10-08. Review status: criteria provided, single submitter. Criteria: Ambry Variant Classification Scheme 2023. Collection method: clinical testing. Allele origin: germline.
Comment: The c.3080_3107del28 (p.K1027Rfs*23) alteration, located in exon 18 (coding exon 18) of the EVC2 gene, consists of a deletion of 28 nucleotides from position 3080 to 3107, causing a translational frameshift with a predicted alternate stop codon after 23 amino acids. This alteration is expected to result in loss of function by premature protein truncation or nonsense-mediated mRNA decay. Based on the supporting evidence, this variant is expected to be causative of autosomal recessive Ellis-van Creveld syndrome (AR); however, its clinical significance for autosomal dominant Weyers acrofacial dysostosis (AD) is unclear. Based on data from gnomAD, the EVC2 c.3080_3107del28 (p.L1027Rfs*23) alteration has an overall frequency of <0.01% (2/247046) total alleles studied. The highest observed frequency was 0.01% (2/34246) of Latino/Admixed American alleles. Based on the available evidence, this alteration is classified as pathogenic.

Blueprint Genetics
Classification: Likely pathogenic for EVC2-related disorders. Last evaluated: 2021-08-11. Review status: criteria provided, single submitter. Criteria: ACMG Guidelines, 2015. Collection method: clinical testing. Allele origin: germline. Affected: yes. Observed: 1 variant allele.

Literature cited by the submitters: PubMed 17024374 (cited by Labcorp Genetics (formerly Invitae), Labcorp); PubMed 19810119 (cited by Labcorp Genetics (formerly Invitae), Labcorp); PubMed 19876929 (cited by Labcorp Genetics (formerly Invitae), Labcorp).

NM_147127.5(EVC2):c.3080_3107del (p.Lys1027fs)

Gene: EVC2 (EvC ciliary complex subunit 2; minus strand). Cytogenetic location: 4p16.2.
Variant type: Deletion.
Coding change: c.3080_3107del on transcript NM_147127.5 (MANE Select); coding-DNA positions 3080 to 3107, 28 bases deleted (AGCTGGAGGACCAGCTGGTGCAGCAGGA).
Protein change: p.Lys1027fs; shifts the reading frame from lysine 1027.
Molecular consequence: frameshift variant.
Genome position (GRCh38, 1-based): chr4:5,576,405-5,576,432, TCCTGCTGCACCAGCTGGTCCTCCAGCT deleted on the plus strand (AGCTGGAGGACCAGCTGGTGCAGCAGGA on the coding strand, the reverse complement: EVC2 is on the minus strand); deleting any 28 consecutive bases within chr4:5,576,405-5,576,436 gives the same sequence; the c. name uses the placement nearest the transcript's 3' end. VCF-style (leftmost placement, unchanged base first): chr4-5576404-CTCCTGCTGCACCAGCTGGTCCTCCAGCT-C. GRCh37 (hg19) VCF-style: chr4-5578131-CTCCTGCTGCACCAGCTGGTCCTCCAGCT-C.
Other names: c.2840_2867del, p.Lys947fs (NM_001166136.2); c.3080_3107del28 (NM_147127.4); short protein forms K947fs, K1027fs.
Identifiers: ClinVar variation 962271 (VCV000962271.12), dbSNP rs1391194715, ClinGen allele CA549396722.
Genomic context (GRCh38, chr4:5,576,404, plus strand): 5'-CCCGGGCCCATCGGCCACCCACTGCTGCCAGCTCGCCAGGGCCTGCTGCTGCTGGGCTGC[CTCCTGCTGCACCAGCTGGTCCTCCAGCT>C]TCCTCTCCAACTCCTGGAGCTCCTACACAAGGAAGGGGCAGAGGGTAAGCACCACTGCAC-3'